The following is an entry in ClinVar:

NM_006946.4(SPTBN2):c.254T>C (p.Leu85Pro)

Gene: SPTBN2 (spectrin beta, non-erythrocytic 2; minus strand). Cytogenetic location: 11q13.2.
Variant type: single nucleotide variant.
Coding change: c.254T>C on transcript NM_006946.4 (MANE Select); coding-DNA position 254, T replaced by C.
Protein change: p.Leu85Pro; replaces leucine 85 with proline.
Molecular consequence: missense variant.
Genome position (GRCh38, 1-based): chr11:66,715,885, A>G on the plus strand (T>C on the coding strand, the complement: SPTBN2 is on the minus strand). VCF-style: chr11-66715885-A-G. GRCh37 (hg19) VCF-style: chr11-66483356-A-G.
Other names: c.275T>C, p.Leu92Pro (NM_001411025.1); short protein forms L85P, L92P.
Identifiers: ClinVar variation 2585541 (VCV002585541.1), dbSNP rs2496574851, ClinGen allele CA381484241.

ClinVar aggregate classification (germline): Uncertain significance (1 of 4 stars; one submission).

Conditions:
Autosomal recessive spinocerebellar ataxia 14. Also called: CEREBELLAR ATAXIA, AUTOSOMAL RECESSIVE, SPECTRIN-ASSOCIATED, 1. Identifiers: Orphanet 352403, MedGen C4706415, MONDO:0014159, OMIM 615386.

Submission:

Neuberg Centre For Genomic Medicine, NCGM
Classification: Uncertain significance for Autosomal recessive spinocerebellar ataxia 14. Review status: criteria provided, single submitter. Criteria: ACMG Guidelines, 2015. Collection method: clinical testing. Allele origin: germline. Inheritance: Autosomal recessive inheritance. Affected: yes.
Comment: The missense variant p.L85P in SPTBN2 (NM_006946.4) has not been reported previously as a pathogenic variant nor as a benign variant, to our knowledge. The p.L85P variant is novel (not in any individuals) in gnomAD Exomes and is novel (not in any individuals) in 1000 Genomes. The amino acid Leu at position 85 is changed to a Pro changing protein sequence and it might alter its composition and physico-chemical properties. The p.L85P missense variant is predicted to be damaging by both SIFT and PolyPhen2. The leucine residue at codon 85 of SPTBN2 is conserved in all mammalian species. The nucleotide c.254 in SPTBN2 is predicted conserved by GERP++ and PhyloP across 100 vertebrates. For these reasons, this variant has been classified as Uncertain Significance.